The following is an entry in ClinVar:

ClinVar aggregate classification (germline): Uncertain significance (1 of 4 stars; one submission).

Conditions:
Inborn genetic diseases. Identifiers: MedGen C0950123, MeSH D030342.

Submission:

Ambry Genetics
Classification: Uncertain significance for Inborn genetic diseases. Last evaluated: 2024-12-31. Review status: criteria provided, single submitter. Criteria: Ambry Variant Classification Scheme 2023. Collection method: clinical testing. Allele origin: germline.
Comment: The c.24dupC (p.Y9Lfs*2) alteration, located in exon 1 (coding exon 1) of the MED12L gene, consists of a duplication of C at position 24, causing a translational frameshift with a predicted alternate stop codon after 2 amino acids. The predicted stop codon occurs in the 5&rsquo; end of the MED12L gene. Premature termination codons in the 5&rsquo; end of a gene have been reported to escape nonsense-mediated mRNA decay and/or lead to re-initiation (Rivas, 2015; Lindeboom, 2016; Rhee, 2017). The exact functional effect of this alteration is unknown. This variant was not reported in population-based cohorts in the Genome Aggregation Database (gnomAD). Based on insufficient or conflicting evidence, the clinical significance of this alteration remains unclear.

Literature cited by the submitters: PubMed 25954003; PubMed 27618451; PubMed 28490743.

NM_001393769.1(MED12L):c.24dup (p.Tyr9fs)

Gene: MED12L (mediator complex subunit 12L; plus strand). Cytogenetic location: 3q25.1.
Variant type: Duplication.
Coding change: c.24dup on transcript NM_001393769.1 (MANE Select); coding-DNA position 24, one base duplicated (C; older notation c.24dupC).
Protein change: p.Tyr9fs; shifts the reading frame from tyrosine 9.
Molecular consequence: frameshift variant.
Genome position (GRCh38, 1-based): chr3:151,086,950, C duplicated. VCF-style (leftmost placement, unchanged base first): chr3-151086949-G-GC. GRCh37 (hg19) VCF-style: chr3-150804736-G-GC.
Other names: c.24dup, p.Tyr9fs (NM_053002.6); short protein forms Y9fs.
Identifiers: ClinVar variation 3871953 (VCV003871953.1).
Genomic context (GRCh38, chr3:151,086,949, plus strand): 5'-CCAACTCTCATTCATTTCGCCGGTTAACATGAGAGATCATGGCCGCCTTCGGGCTTCTCA[G>GC]CTATGAGCAGAGACCGCTGAAGCGCCCCCGGCTCGGGCCGCCCGACGTCTACCCACAGGA-3'